The following is an entry in ClinVar:

ClinVar aggregate classification (germline): Pathogenic (1 of 4 stars; one submission).

Conditions:
Familial adenomatous polyposis 1 (FAP1). Also called: FAMILIAL ADENOMATOUS POLYPOSIS 1, ATTENUATED; POLYPOSIS, ADENOMATOUS INTESTINAL. Identifiers: MedGen C2713442, MONDO:0021056, OMIM 175100. Disease mechanism: loss of function.

Submission:

Labcorp Genetics (formerly Invitae), Labcorp
Classification: Pathogenic for Familial adenomatous polyposis 1. Last evaluated: 2025-10-11. Review status: criteria provided, single submitter. Criteria: Invitae Variant Classification Sherloc (09022015). Collection method: clinical testing. Allele origin: germline.
Comment: This sequence change creates a premature translational stop signal (p.Leu1511Profs*12) in the APC gene. While this is not anticipated to result in nonsense mediated decay, it is expected to disrupt the last 1333 amino acid(s) of the APC protein. This variant is not present in population databases (gnomAD no frequency). This variant has not been reported in the literature in individuals affected with APC-related conditions. This variant is expected to disrupt the EB1 and HDLG binding sites, which mediate interactions with the cytoskeleton (PMID: 15311282, 17293347). While functional studies have not been performed to directly test the effect on APC protein function, this suggests that disruption of the C-terminal portion of the protein is functionally important. A different truncation (p.Tyr2645Lysfs*14) that lies downstream of this variant has been determined to be pathogenic (PMID: 9824584, 1316610, 27081525, 8381579, 22135120, internal data). This suggests that deletion of this region of the APC protein is causative of disease. For these reasons, this variant has been classified as Pathogenic.

Literature cited by the submitters: PubMed 15311282; PubMed 17293347; PubMed 9824584; PubMed 1316610; PubMed 27081525; PubMed 8381579; PubMed 22135120.

NM_000038.6(APC):c.4532del (p.Leu1511fs)

Gene: APC (APC regulator of Wnt signaling pathway; plus strand). Cytogenetic location: 5q22.2.
Variant type: Deletion.
Coding change: c.4532del on transcript NM_000038.6 (MANE Select); coding-DNA position 4532, one base deleted (T; older notation c.4532delT).
Protein change: p.Leu1511fs; shifts the reading frame from leucine 1511.
Molecular consequence: frameshift variant. On other transcripts: non-coding transcript variant (2).
Genome position (GRCh38, 1-based): chr5:112,840,126, T deleted. VCF-style (leftmost placement, unchanged base first): chr5-112840125-CT-C. GRCh37 (hg19) VCF-style: chr5-112175822-CT-C.
Other names: c.4532del, p.Leu1511fs (NM_001407450.1, NM_001127510.3, NM_001354895.2); c.4511del, p.Leu1504fs (NM_001407451.1); c.4502del, p.Leu1501fs (NM_001407452.1); c.4355del, p.Leu1452fs (NM_001407453.1, NM_001354901.2); c.4283del, p.Leu1428fs (NM_001407454.1, NM_001407455.1, NM_001407456.1 and 1 more transcripts); c.4229del, p.Leu1410fs (NM_001407458.1, NM_001407459.1, NM_001407460.1 and 1 more transcripts); c.4145del, p.Leu1382fs (NM_001407467.1, NM_001407469.1); c.3683del, p.Leu1228fs (NM_001407470.1, NM_001354906.2); and 11 more; short protein forms L1483fs, L1504fs, L1529fs, L1539fs, L1228fs, L1420fs, L1428fs, L1511fs.
Identifiers: ClinVar variation 4728935 (VCV004728935.1).
Genomic context (GRCh38, chr5:112,840,125, plus strand): 5'-TTTGCCACGGAAAGTACTCCAGATGGATTTTCTTGTTCATCCAGCCTGAGTGCTCTGAGC[CT>C]CGATGAGCCATTTATACAGAAAGATGTGGAATTAAGAATAATGCCTCCAGTTCAGGAAAA-3'